The following is an entry in ClinVar:

NM_198576.4(AGRN):c.5327G>A (p.Arg1776His)

Gene: AGRN (agrin; plus strand). Cytogenetic location: 1p36.33.
Variant type: single nucleotide variant.
Coding change: c.5327G>A on transcript NM_198576.4 (MANE Select); coding-DNA position 5327, G replaced by A.
Protein change: p.Arg1776His; replaces arginine 1776 with histidine.
Molecular consequence: missense variant.
Genome position (GRCh38, 1-based): chr1:1,051,326, G>A. VCF-style: chr1-1051326-G-A. GRCh37 (hg19) VCF-style: chr1-986706-G-A.
Other names: c.5339G>A, p.Arg1780His (NM_001305275.2); c.5024G>A, p.Arg1675His (NM_001364727.2); short protein forms R1776H, R1675H, R1780H.
Identifiers: ClinVar variation 474149 (VCV000474149.8), dbSNP rs757621899, ClinGen allele CA509984.

ClinVar aggregate classification (germline): Uncertain significance. Review status: criteria provided, multiple submitters, no conflicts (2 of 4 stars). 2 submissions from 2 submitters: Uncertain significance (2). Last evaluated 2024-03-07.

Conditions:
Inborn genetic diseases. Identifiers: MedGen C0950123, MeSH D030342.
Congenital myasthenic syndrome 8. Also called: MYASTHENIC SYNDROME, CONGENITAL, DUE TO AGRIN DEFICIENCY; Myasthenic syndrome, congenital, 8, with pre- and postsynaptic defects. Identifiers: Orphanet 590, MedGen C3808739, MONDO:0014052, OMIM 615120.

Allele frequency attached by ClinVar (database versions not stated): ExAC below 0.00001; TOPMed 0.00004; gnomAD exomes 0.00004.
gnomAD v4.1: 51 of 1,568,546 alleles (0.0033%); highest among the groups gnomAD compares: Admixed American, 0.0094%; no homozygotes.

Submissions (2):

Ambry Genetics
Classification: Uncertain significance for Inborn genetic diseases. Last evaluated: 2024-03-07. Review status: criteria provided, single submitter. Criteria: Ambry Variant Classification Scheme 2023. Collection method: clinical testing. Allele origin: germline.

Labcorp Genetics (formerly Invitae), Labcorp
Classification: Uncertain significance for Congenital myasthenic syndrome 8. Last evaluated: 2023-08-14. Review status: criteria provided, single submitter. Criteria: Invitae Variant Classification Sherloc (09022015). Collection method: clinical testing. Allele origin: germline.
Comment: The frequency data for this variant in the population databases is considered unreliable, as metrics indicate poor data quality at this position in the gnomAD database. This sequence change replaces arginine, which is basic and polar, with histidine, which is basic and polar, at codon 1776 of the AGRN protein (p.Arg1776His). This variant has not been reported in the literature in individuals affected with AGRN-related conditions. In summary, the available evidence is currently insufficient to determine the role of this variant in disease. Therefore, it has been classified as a Variant of Uncertain Significance. An algorithm developed to predict the effect of missense changes on protein structure and function (PolyPhen-2) suggests that this variant is likely to be disruptive. ClinVar contains an entry for this variant (Variation ID: 474149).